The following is an entry in ClinVar:

NM_032193.4(RNASEH2C):c.374A>T (p.Asn125Ile)

Gene: RNASEH2C (ribonuclease H2 subunit C; minus strand). Cytogenetic location: 11q13.1.
Variant type: single nucleotide variant.
Coding change: c.374A>T on transcript NM_032193.4 (MANE Select); coding-DNA position 374, A replaced by T.
Protein change: p.Asn125Ile; replaces asparagine 125 with isoleucine.
Molecular consequence: missense variant.
Genome position (GRCh38, 1-based): chr11:65,720,139, T>A on the plus strand (A>T on the coding strand, the complement: RNASEH2C is on the minus strand). VCF-style: chr11-65720139-T-A. GRCh37 (hg19) VCF-style: chr11-65487610-T-A.
Other names: short protein forms N125I.
Identifiers: ClinVar variation 4770787 (VCV004770787.1).

ClinVar aggregate classification (germline): Uncertain significance (1 of 4 stars; one submission).

Conditions:
Aicardi-Goutieres syndrome 3. Identifiers: Orphanet 51, MedGen C1835916, MONDO:0012471, OMIM 610329.

gnomAD v4.1: 1 of 1,614,176 alleles (0.000062%); no homozygotes.

Submission:

Labcorp Genetics (formerly Invitae), Labcorp
Classification: Uncertain significance for Aicardi-Goutieres syndrome 3. Last evaluated: 2025-11-20. Review status: criteria provided, single submitter. Criteria: Invitae Variant Classification Sherloc (09022015). Collection method: clinical testing. Allele origin: germline.
Comment: This sequence change replaces asparagine, which is neutral and polar, with isoleucine, which is neutral and non-polar, at codon 125 of the RNASEH2C protein (p.Asn125Ile). This variant is not present in population databases (gnomAD no frequency). This variant has not been reported in the literature in individuals affected with RNASEH2C-related conditions. An algorithm developed to predict the effect of missense changes on protein structure and function (PolyPhen-2) suggests that this variant is likely to be tolerated. In summary, the available evidence is currently insufficient to determine the role of this variant in disease. Therefore, it has been classified as a Variant of Uncertain Significance.